The following is an entry in ClinVar:

ClinVar aggregate classification (germline): Uncertain significance. Review status: criteria provided, multiple submitters, no conflicts (2 of 4 stars). 4 submissions from 4 submitters: Uncertain significance (3). 1 of the submissions does not count toward it. Last evaluated 2025-07-28.

Conditions:
Dilated cardiomyopathy 1DD (CMD1DD). Identifiers: Orphanet 154, MedGen C2750995, MONDO:0013168, OMIM 613172.
Cardiovascular phenotype. Identifiers: MedGen CN230736.
Primary dilated cardiomyopathy (DCM). Also called: Dilated Cardiomyopathy. Identifiers: Orphanet 217604, MedGen C0007193, MeSH D002311, MONDO:0005021, HP:0001644. Inheritance: Various modes of inheritance.

Allele frequency attached by ClinVar (database versions not stated): gnomAD 0.00001; TOPMed 0.00001.
gnomAD v4.1: 8 of 1,551,552 alleles (0.00052%); highest among the groups gnomAD compares: Non-Finnish European, 0.0007%; no homozygotes.

Submissions (4):

Ambry Genetics
Classification: Uncertain significance for Cardiovascular phenotype. Last evaluated: 2025-07-28. Review status: criteria provided, single submitter. Criteria: Ambry Variant Classification Scheme 2023. Collection method: clinical testing. Allele origin: germline.
Comment: The p.Y229C variant (also known as c.686A>G), located in coding exon 2 of the RBM20 gene, results from an A to G substitution at nucleotide position 686. The tyrosine at codon 229 is replaced by cysteine, an amino acid with highly dissimilar properties. This amino acid position is not well conserved in available vertebrate species, and cysteine is the reference amino acid in other vertebrate species. In addition, the in silico prediction for this alteration is inconclusive. Since supporting evidence is limited at this time, the clinical significance of this alteration remains unclear.

Labcorp Genetics (formerly Invitae), Labcorp
Classification: Uncertain significance for Dilated cardiomyopathy 1DD. Last evaluated: 2023-06-06. Review status: criteria provided, single submitter. Criteria: Invitae Variant Classification Sherloc (09022015). Collection method: clinical testing. Allele origin: germline.
Comment: ClinVar contains an entry for this variant (Variation ID: 519171). In summary, the available evidence is currently insufficient to determine the role of this variant in disease. Therefore, it has been classified as a Variant of Uncertain Significance. Algorithms developed to predict the effect of sequence changes on RNA splicing suggest that this variant may create or strengthen a splice site. Advanced modeling of protein sequence and biophysical properties (such as structural, functional, and spatial information, amino acid conservation, physicochemical variation, residue mobility, and thermodynamic stability) performed at Invitae indicates that this missense variant is not expected to disrupt RBM20 protein function. This variant has not been reported in the literature in individuals affected with RBM20-related conditions. This variant is not present in population databases (gnomAD no frequency). This sequence change replaces tyrosine, which is neutral and polar, with cysteine, which is neutral and slightly polar, at codon 229 of the RBM20 protein (p.Tyr229Cys).

Fulgent Genetics
Classification: Uncertain significance for Dilated cardiomyopathy 1DD. Last evaluated: 2021-10-20. Review status: criteria provided, single submitter. Criteria: ACMG Guidelines, 2015. Collection method: clinical testing. Allele origin: unknown.

Institute of Human Genetics, University of Wuerzburg
Classification: Uncertain significance for Primary dilated cardiomyopathy. Review status: no assertion criteria provided. Collection method: clinical testing. Allele origin: unknown. Not counted in ClinVar's aggregate classification.

NM_001134363.3(RBM20):c.686A>G (p.Tyr229Cys)

Gene: RBM20 (RNA binding motif protein 20; plus strand). Cytogenetic location: 10q25.2.
Variant type: single nucleotide variant.
Coding change: c.686A>G on transcript NM_001134363.3 (MANE Select); coding-DNA position 686, A replaced by G.
Protein change: p.Tyr229Cys; replaces tyrosine 229 with cysteine.
Molecular consequence: missense variant.
Genome position (GRCh38, 1-based): chr10:110,781,295, A>G. VCF-style: chr10-110781295-A-G. GRCh37 (hg19) VCF-style: chr10-112541053-A-G.
Other names: c.686A>G (LRG_382t1); short protein forms Y229C.
Identifiers: ClinVar variation 519171 (VCV000519171.14), dbSNP rs1478721868, ClinGen allele CA378382235.